The following is an entry in ClinVar:

NM_001031689.3(PLAA):c.998A>T (p.Asn333Ile)

Gene: PLAA (phospholipase A2 activating protein; minus strand). Cytogenetic location: 9p21.2.
Variant type: single nucleotide variant.
Coding change: c.998A>T on transcript NM_001031689.3 (MANE Select); coding-DNA position 998, A replaced by T.
Protein change: p.Asn333Ile; replaces asparagine 333 with isoleucine.
Molecular consequence: missense variant.
Genome position (GRCh38, 1-based): chr9:26,923,219, T>A on the plus strand (A>T on the coding strand, the complement: PLAA is on the minus strand). VCF-style: chr9-26923219-T-A. GRCh37 (hg19) VCF-style: chr9-26923217-T-A.
Other names: c.998A>T, p.Asn333Ile (NM_001321546.2); short protein forms N333I.
Identifiers: ClinVar variation 2066429 (VCV002066429.4), dbSNP rs754335768, ClinGen allele CA373132820.
Genomic context (GRCh38, chr9:26,923,219, plus strand): 5'-GGTACAATAAAATACTTACCAGGTTCATTAAGATGTTCCCTCCCAGGAAGCTGCTCAGCA[T>A]TGATGTCCCCTAAATCGCCAGTTTTAGAATCAATGGTTGCGTGAGACAGTTCTTTTTCAA-3'
Protein context (NP_001026859.1, residues 323-343): DSKTGDLGDI[Asn333Ile]AEQLPGREHL

ClinVar aggregate classification (germline): Uncertain significance (1 of 4 stars; one submission).

Submission:

Labcorp Genetics (formerly Invitae), Labcorp
Classification: Uncertain significance. Last evaluated: 2021-12-30. Review status: criteria provided, single submitter. Criteria: Invitae Variant Classification Sherloc (09022015). Collection method: clinical testing. Allele origin: germline.
Comment: In summary, the available evidence is currently insufficient to determine the role of this variant in disease. Therefore, it has been classified as a Variant of Uncertain Significance. Algorithms developed to predict the effect of missense changes on protein structure and function (SIFT, PolyPhen-2, Align-GVGD) all suggest that this variant is likely to be tolerated. This variant has not been reported in the literature in individuals affected with PLAA-related conditions. This variant is not present in population databases (gnomAD no frequency). This sequence change replaces asparagine, which is neutral and polar, with isoleucine, which is neutral and non-polar, at codon 333 of the PLAA protein (p.Asn333Ile).